The following is an entry in ClinVar:

ClinVar aggregate classification (germline): Uncertain significance (1 of 4 stars; one submission).

Conditions:
Mucopolysaccharidosis, MPS-IV-A (MPS4A). Also called: Mucopolysaccharidosis type IV A; Mucopolysaccharidosis Type IVA; Morquio syndrome A, mild; MORQUIO SYNDROME A; MPS IVA; mucopolysaccharidosis type 4A. Identifiers: Orphanet 309297, Orphanet 582, MedGen C0086651, MONDO:0009659, OMIM 253000.

Allele frequency attached by ClinVar (database versions not stated): gnomAD exomes 0.00001.
gnomAD v4.1: 10 of 1,613,300 alleles (0.00062%); highest among the groups gnomAD compares: Non-Finnish European, 0.00085%; no homozygotes.

Submission:

Laboratory of Diagnosis and Therapy of Lysosomal Disorders, University of Padova
Classification: Uncertain significance for Mucopolysaccharidosis, MPS-IV-A. Last evaluated: 2021-02-01. Review status: criteria provided, single submitter. Criteria: ACMG Guidelines, 2015. Collection method: research. Allele origin: germline. Affected: yes.
Comment: Absent from gnomAD v2.1.1 (PM2_moderate); multiple lines of computational evidence support a deleterious effect on the gene (PP3_supporting)

Literature cited by the submitters: PubMed 34387910.

NM_000512.5(GALNS):c.1159G>A (p.Gly387Ser)

Gene: GALNS (galactosamine (N-acetyl)-6-sulfatase; minus strand). Cytogenetic location: 16q24.3.
Variant type: single nucleotide variant.
Coding change: c.1159G>A on transcript NM_000512.5 (MANE Select); coding-DNA position 1159, G replaced by A.
Protein change: p.Gly387Ser; replaces glycine 387 with serine.
Molecular consequence: missense variant.
Genome position (GRCh38, 1-based): chr16:88,824,850, C>T on the plus strand (G>A on the coding strand, the complement: GALNS is on the minus strand). VCF-style: chr16-88824850-C-T. GRCh37 (hg19) VCF-style: chr16-88891258-C-T.
Other names: c.604G>A, p.Gly202Ser (NM_001323543.2); c.1177G>A, p.Gly393Ser (NM_001323544.2); short protein forms G202S, G387S, G393S.
Identifiers: ClinVar variation 1048233 (VCV001048233.3), dbSNP rs1910641750, ClinGen allele CA397097702.